The following is an entry in ClinVar:

NM_002528.7(NTHL1):c.419C>A (p.Ala140Glu)

Gene: NTHL1 (nth like DNA glycosylase 1; minus strand). Cytogenetic location: 16p13.3.
Variant type: single nucleotide variant.
Coding change: c.419C>A on transcript NM_002528.7 (MANE Select); coding-DNA position 419, C replaced by A.
Protein change: p.Ala140Glu; replaces alanine 140 with glutamic acid.
Molecular consequence: missense variant. On other transcripts: intron variant (1).
Genome position (GRCh38, 1-based): chr16:2,044,736, G>T on the plus strand (C>A on the coding strand, the complement: NTHL1 is on the minus strand). VCF-style: chr16-2044736-G-T. GRCh37 (hg19) VCF-style: chr16-2094737-G-T.
Other names: c.89C>A, p.Ala30Glu (NM_001318194.2); c.355-1010C>A (NM_001318193.2); short protein forms A30E, A140E.
Identifiers: ClinVar variation 5025902 (VCV005025902.1).

ClinVar aggregate classification (germline): Uncertain significance (1 of 4 stars; one submission).

Conditions:
Hereditary cancer-predisposing syndrome. Also called: Neoplastic Syndromes, Hereditary; Tumor predisposition; Hereditary neoplastic syndrome; Hereditary Cancer Syndrome. Identifiers: Orphanet 140162, MedGen C0027672, MeSH D009386, MONDO:0015356.

Submission:

Ambry Genetics
Classification: Uncertain significance for Hereditary cancer-predisposing syndrome. Last evaluated: 2026-07-07. Review status: criteria provided, single submitter. Criteria: Ambry Variant Classification Scheme 2023. Collection method: clinical testing. Allele origin: germline.
Comment: The p.A148E variant (also known as c.443C>A), located in coding exon 3 of the NTHL1 gene, results from a C to A substitution at nucleotide position 443. The alanine at codon 148 is replaced by glutamic acid, an amino acid with dissimilar properties. This amino acid position is conserved. In addition, the in silico prediction for this alteration is inconclusive. Based on the available evidence, the clinical significance of this variant remains unclear.